The following is an entry in ClinVar:

NM_022167.4(XYLT2):c.2176C>T (p.Pro726Ser)

Gene: XYLT2 (xylosyltransferase 2; plus strand). Cytogenetic location: 17q21.33.
Variant type: single nucleotide variant.
Coding change: c.2176C>T on transcript NM_022167.4 (MANE Select); coding-DNA position 2176, C replaced by T.
Protein change: p.Pro726Ser; replaces proline 726 with serine.
Molecular consequence: missense variant.
Genome position (GRCh38, 1-based): chr17:50,358,441, C>T. VCF-style: chr17-50358441-C-T. GRCh37 (hg19) VCF-style: chr17-48435802-C-T.
Other names: short protein forms P726S.
Identifiers: ClinVar variation 1378472 (VCV001378472.8), dbSNP rs1598353144, ClinGen allele CA400213990.
Genomic context (GRCh38, chr17:50,358,441, plus strand): 5'-GATACGGAGACTGAGGTCACGCAATACAAGCCCCCACTGAGCCGGCCCCTGCGGCCAGGG[C>T]CCTGGACTGTTCGACTCCTTCAGTTCTGGGAACCGCTGGGTGAGACCCGCTTCCTTGTGC-3'
Protein context (NP_071450.2, residues 716-736): PPLSRPLRPG[Pro726Ser]WTVRLLQFWE

ClinVar aggregate classification (germline): Uncertain significance. Review status: criteria provided, multiple submitters, no conflicts (2 of 4 stars). 2 submissions from 2 submitters: Uncertain significance (2). Last evaluated 2024-11-05.

Conditions:
Inborn genetic diseases. Identifiers: MedGen C0950123, MeSH D030342.

gnomAD v4.1: 9 of 1,614,178 alleles (0.00056%); highest among the groups gnomAD compares: African/African-American, 0.0093%; no homozygotes.

Submissions (2):

Labcorp Genetics (formerly Invitae), Labcorp
Classification: Uncertain significance. Last evaluated: 2024-11-05. Review status: criteria provided, single submitter. Criteria: Invitae Variant Classification Sherloc (09022015). Collection method: clinical testing. Allele origin: germline.
Comment: This sequence change replaces proline, which is neutral and non-polar, with serine, which is neutral and polar, at codon 726 of the XYLT2 protein (p.Pro726Ser). This variant is not present in population databases (gnomAD no frequency). This variant has not been reported in the literature in individuals affected with XYLT2-related conditions. ClinVar contains an entry for this variant (Variation ID: 1378472). Invitae Evidence Modeling of protein sequence and biophysical properties (such as structural, functional, and spatial information, amino acid conservation, physicochemical variation, residue mobility, and thermodynamic stability) indicates that this missense variant is not expected to disrupt XYLT2 protein function with a negative predictive value of 80%. In summary, the available evidence is currently insufficient to determine the role of this variant in disease. Therefore, it has been classified as a Variant of Uncertain Significance.

Ambry Genetics
Classification: Uncertain significance for Inborn genetic diseases. Last evaluated: 2022-01-26. Review status: criteria provided, single submitter. Criteria: Ambry Variant Classification Scheme 2023. Collection method: clinical testing. Allele origin: germline.